The following is an entry in ClinVar:

NM_000784.4(CYP27A1):c.746A>T (p.Gln249Leu)

Gene: CYP27A1 (cytochrome P450 family 27 subfamily A member 1; plus strand). Cytogenetic location: 2q35.
Variant type: single nucleotide variant.
Coding change: c.746A>T on transcript NM_000784.4 (MANE Select); coding-DNA position 746, A replaced by T.
Protein change: p.Gln249Leu; replaces glutamine 249 with leucine.
Molecular consequence: missense variant.
Genome position (GRCh38, 1-based): chr2:218,812,651, A>T. VCF-style: chr2-218812651-A-T. GRCh37 (hg19) VCF-style: chr2-219677374-A-T.
Other names: short protein forms Q249L.
Identifiers: ClinVar variation 1920984 (VCV001920984.2), dbSNP rs369961019, ClinGen allele CA2112709.

ClinVar aggregate classification (germline): Uncertain significance (1 of 4 stars; one submission).

Conditions:
Cholestanol storage disease (CTX). Also called: CEREBRAL CHOLESTERINOSIS; CTX: Cerebrotendinous xanthomatosis; Cerebrotendinous Xanthomatosis. Identifiers: Orphanet 909, MedGen C0238052, MONDO:0008948, OMIM 213700.

Allele frequency attached by ClinVar (database versions not stated): ExAC 0.00001; gnomAD 0.00001; TOPMed 0.00001; ESP Exome Variant Server 0.00008.

Submission:

Labcorp Genetics (formerly Invitae), Labcorp
Classification: Uncertain significance for Cholestanol storage disease. Last evaluated: 2022-08-16. Review status: criteria provided, single submitter. Criteria: Invitae Variant Classification Sherloc (09022015). Collection method: clinical testing. Allele origin: germline.
Comment: This sequence change replaces glutamine, which is neutral and polar, with leucine, which is neutral and non-polar, at codon 249 of the CYP27A1 protein (p.Gln249Leu). This variant is present in population databases (rs369961019, gnomAD 0.002%). This variant has not been reported in the literature in individuals affected with CYP27A1-related conditions. Advanced modeling of protein sequence and biophysical properties (such as structural, functional, and spatial information, amino acid conservation, physicochemical variation, residue mobility, and thermodynamic stability) performed at Invitae indicates that this missense variant is not expected to disrupt CYP27A1 protein function. In summary, the available evidence is currently insufficient to determine the role of this variant in disease. Therefore, it has been classified as a Variant of Uncertain Significance.